The following is an entry in ClinVar:

ClinVar aggregate classification (germline): Uncertain significance. Review status: criteria provided, multiple submitters, no conflicts (2 of 4 stars). 2 submissions from 2 submitters: Uncertain significance (2). Last evaluated 2025-06-25.

Allele frequency attached by ClinVar (database versions not stated): gnomAD 0.00001; gnomAD exomes 0.00001 and 0.00002; TOPMed 0.00001; ExAC 0.00003.
gnomAD v4.1: 13 of 1,612,066 alleles (0.00081%); highest among the groups gnomAD compares: Admixed American, 0.0084%; no homozygotes.

Submissions (2):

Labcorp Genetics (formerly Invitae), Labcorp
Classification: Uncertain significance. Last evaluated: 2025-06-25. Review status: criteria provided, single submitter. Criteria: Invitae Variant Classification Sherloc (09022015). Collection method: clinical testing. Allele origin: germline.
Comment: This sequence change replaces arginine, which is basic and polar, with cysteine, which is neutral and slightly polar, at codon 585 of the BMP1 protein (p.Arg585Cys). This variant is present in population databases (rs759325498, gnomAD 0.006%). This variant has not been reported in the literature in individuals affected with BMP1-related conditions. ClinVar contains an entry for this variant (Variation ID: 1303885). Invitae Evidence Modeling of protein sequence and biophysical properties (such as structural, functional, and spatial information, amino acid conservation, physicochemical variation, residue mobility, and thermodynamic stability) indicates that this missense variant is not expected to disrupt BMP1 protein function with a negative predictive value of 80%. In summary, the available evidence is currently insufficient to determine the role of this variant in disease. Therefore, it has been classified as a Variant of Uncertain Significance.

GeneDx
Classification: Uncertain significance. Last evaluated: 2020-01-31. Review status: criteria provided, single submitter. Criteria: GeneDx Variant Classification Process June 2021. Collection method: clinical testing. Allele origin: germline. Affected: yes.
Comment: In silico analysis supports that this missense variant has a deleterious effect on protein structure/function; Has not been previously published as pathogenic or benign to our knowledge

NM_006129.5(BMP1):c.1753C>T (p.Arg585Cys)

Genes: BMP1 (bone morphogenetic protein 1; plus strand), LOC113788269 (BRD4-independent group 4 enhancer GRCh37_chr8:22052064-22053263; plus strand). Cytogenetic location: 8p21.3.
Variant type: single nucleotide variant.
Coding change: c.1753C>T on transcript NM_006129.5 (MANE Select); coding-DNA position 1753, C replaced by T.
Protein change: p.Arg585Cys; replaces arginine 585 with cysteine.
Molecular consequence: missense variant. On other transcripts: non-coding transcript variant (2).
Genome position (GRCh38, 1-based): chr8:22,195,575, C>T. VCF-style: chr8-22195575-C-T. GRCh37 (hg19) VCF-style: chr8-22053088-C-T.
Other names: c.1753C>T, p.Arg585Cys (NM_001199.4); short protein forms R585C.
Identifiers: ClinVar variation 1303885 (VCV001303885.3), dbSNP rs759325498, ClinGen allele CA4664772.
Genomic context (GRCh38, chr8:22,195,575, plus strand): 5'-AACACCCTGGGCAGCTACAAGTGCAGCTGTGACCCCGGGTACGAGCTGGCCCCAGACAAG[C>T]GCCGCTGTGAGGGTGAGTGCCCCCAGACTGCCTCTGACCCTGTTCTTTCCCTGGCACCAG-3'
Protein context (NP_006120.1, residues 575-595): DPGYELAPDK[Arg585Cys]RCEAACGGFL